The following is an entry in ClinVar:

ClinVar aggregate classification (germline): Conflicting classifications of pathogenicity. Review status: criteria provided, conflicting classifications (1 of 4 stars). 3 submissions from 3 submitters: Uncertain significance (1); Likely benign (2). Last evaluated 2026-06-02.

Conditions:
CIC-related disorder. Also called: CIC-related condition.
Inborn genetic diseases. Identifiers: MedGen C0950123, MeSH D030342.
Intellectual developmental disorder, autosomal dominant 45. Also called: MENTAL RETARDATION, AUTOSOMAL DOMINANT 45; Intellectual disability, autosomal dominant 45. Identifiers: MedGen C4539848, MONDO:0030910, OMIM 617600.

Allele frequency attached by ClinVar (database versions not stated): TOPMed 0.00004; gnomAD 0.00005; ESP Exome Variant Server 0.00008; ExAC 0.00009.
gnomAD v4.1: 43 of 1,613,860 alleles (0.0027%); highest among the groups gnomAD compares: East Asian, 0.042%; no homozygotes.

Submissions (3):

PreventionGenetics, part of Exact Sciences
Classification: Likely benign for CIC-related condition. Last evaluated: 2026-06-02. Review status: criteria provided, single submitter. Criteria: ACMG Guidelines, 2015. Collection method: clinical testing. Allele origin: germline.
Comment: This variant is classified as likely benign based on ACMG/AMP sequence variant interpretation guidelines (Richards et al. 2015 PMID: 25741868, with internal and published modifications).

Ambry Genetics
Classification: Likely benign for Inborn genetic diseases. Last evaluated: 2021-12-09. Review status: criteria provided, single submitter. Criteria: Ambry Variant Classification Scheme 2023. Collection method: clinical testing. Allele origin: germline.

Juno Genomics, Hangzhou Juno Genomics, Inc
Classification: Uncertain significance for Intellectual developmental disorder, autosomal dominant 45. Review status: criteria provided, single submitter. Criteria: ACMG Guidelines, 2015. Collection method: clinical testing. Allele origin: germline. Affected: yes.
Comment: Absent from controls (or at extremely low frequency if recessive) in Genome Aggregation Database, Exome Sequencing Project, 1000 Genomes Project, or Exome Aggregation Consortium.;Multiple lines of computational evidence suggest no impact on gene or gene product (conservation, evolutionary, splicing impact, etc).

NM_001386298.1(CIC):c.6164C>T (p.Pro2055Leu)

Gene: CIC (capicua transcriptional repressor; plus strand). Cytogenetic location: 19q13.2.
Variant type: single nucleotide variant.
Coding change: c.6164C>T on transcript NM_001386298.1 (MANE Select); coding-DNA position 6164, C replaced by T.
Protein change: p.Pro2055Leu; replaces proline 2055 with leucine.
Molecular consequence: missense variant.
Genome position (GRCh38, 1-based): chr19:42,292,827, C>T. VCF-style: chr19-42292827-C-T. GRCh37 (hg19) VCF-style: chr19-42796979-C-T.
Other names: c.6164C>T, p.Pro2055Leu (NM_001304815.2, NM_001379480.1, NM_001379482.1 and 1 more transcripts); c.3437C>T, p.Pro1146Leu (NM_001379484.1, NM_001379485.1, NM_015125.5); short protein forms P1146L, P2055L.
Identifiers: ClinVar variation 2258129 (VCV002258129.5), dbSNP rs145102151, ClinGen allele CA9472628.
Genomic context (GRCh38, chr19:42,292,827, plus strand): 5'-CAACCCCACCTGCAGCCACCATTCTGCCCAAGGGCCCGCCAGCCCCTGCCACTGCCACCC[C>T]AGCCCCGACTAGCCCTTTCCCCAGCGCCACAGGTAGGTGTCAGATCAACCCAGAGCAGAG-3'
Protein context (NP_001373227.1, residues 2045-2065): KGPPAPATAT[Pro2055Leu]APTSPFPSAT